The following is an entry in ClinVar:

ClinVar aggregate classification (germline): Uncertain significance (1 of 4 stars; one submission).

Submission:

Ambry Genetics
Classification: Uncertain significance. Last evaluated: 2024-12-13. Review status: criteria provided, single submitter. Criteria: Ambry Variant Classification Scheme 2023. Collection method: clinical testing. Allele origin: germline.
Comment: The p.Q331L variant (also known as c.992A>T), located in coding exon 1 of the MLH3 gene, results from an A to T substitution at nucleotide position 992. The glutamine at codon 331 is replaced by leucine, an amino acid with dissimilar properties. This amino acid position is conserved. In addition, the in silico prediction for this alteration is inconclusive. Based on the available evidence, the clinical significance of this variant remains unclear.

NM_001040108.2(MLH3):c.992A>T (p.Gln331Leu)

Gene: MLH3 (mutL homolog 3; minus strand). Cytogenetic location: 14q24.3.
Variant type: single nucleotide variant.
Coding change: c.992A>T on transcript NM_001040108.2 (MANE Select); coding-DNA position 992, A replaced by T.
Protein change: p.Gln331Leu; replaces glutamine 331 with leucine.
Molecular consequence: missense variant.
Genome position (GRCh38, 1-based): chr14:75,048,664, T>A on the plus strand (A>T on the coding strand, the complement: MLH3 is on the minus strand). VCF-style: chr14-75048664-T-A. GRCh37 (hg19) VCF-style: chr14-75515367-T-A.
Other names: c.992A>T, p.Gln331Leu (NM_014381.3); short protein forms Q331L.
Identifiers: ClinVar variation 3873472 (VCV003873472.1).